The following is an entry in ClinVar:

NM_205836.3(FBXO38):c.812G>A (p.Arg271Gln)

Gene: FBXO38 (F-box protein 38; plus strand). Cytogenetic location: 5q32.
Variant type: single nucleotide variant.
Coding change: c.812G>A on transcript NM_205836.3 (MANE Select); coding-DNA position 812, G replaced by A.
Protein change: p.Arg271Gln; replaces arginine 271 with glutamine.
Molecular consequence: missense variant.
Genome position (GRCh38, 1-based): chr5:148,406,338, G>A. VCF-style: chr5-148406338-G-A. GRCh37 (hg19) VCF-style: chr5-147785901-G-A.
Other names: p.Arg271Gln; c.812G>A, p.Arg271Gln (NM_001271723.2, NM_030793.5); c.812G>A (NM_030793.4); short protein forms R271Q.
Identifiers: ClinVar variation 1001987 (VCV001001987.12), dbSNP rs896205714, ClinGen allele CA128970752.
Genomic context (GRCh38, chr5:148,406,338, plus strand): 5'-ATGTCCCTTTAGTAACAGGCTTAGCCTCTGCCCGAAACTTGGAACACTTAGAAATGGTTC[G>A]AGTTCCTTTCCTTGGAGGTCTTATCCAACATGTTGTTGAAGACAGTTGGAGATCAGGTAT-3'
Protein context (NP_995308.1, residues 261-281): ARNLEHLEMV[Arg271Gln]VPFLGGLIQH

ClinVar aggregate classification (germline): Uncertain significance. Review status: criteria provided, multiple submitters, no conflicts (2 of 4 stars). 3 submissions from 3 submitters: Uncertain significance (3). Last evaluated 2026-07-07.

Conditions:
FBXO38-related disorder. Also called: FBXO38-related condition.
Distal hereditary motor neuropathy type 2. Identifiers: Orphanet 139525, MedGen C3711384, MeSH C580044, MONDO:0015352.

Allele frequency attached by ClinVar (database versions not stated): gnomAD 0.00001; gnomAD exomes 0.00001; TOPMed 0.00001.
gnomAD v4.1: 12 of 1,608,494 alleles (0.00075%); highest among the groups gnomAD compares: African/African-American, 0.0013%; no homozygotes.

Submissions (3):

PreventionGenetics, part of Exact Sciences
Classification: Uncertain significance for FBXO38-related condition. Last evaluated: 2026-07-07. Review status: criteria provided, single submitter. Criteria: ACMG Guidelines, 2015. Collection method: clinical testing. Allele origin: germline.
Comment: The FBXO38 c.812G>A variant is predicted to result in the amino acid substitution p.Arg271Gln. To our knowledge, this variant has not been reported in the literature. This variant is reported in 0.0046% of alleles in individuals of European (Finnish) descent in gnomAD. At this time, the clinical significance of this variant is uncertain due to the absence of conclusive functional and genetic evidence.

Labcorp Genetics (formerly Invitae), Labcorp
Classification: Uncertain significance for Distal hereditary motor neuropathy type 2. Last evaluated: 2024-07-24. Review status: criteria provided, single submitter. Criteria: Invitae Variant Classification Sherloc (09022015). Collection method: clinical testing. Allele origin: germline.
Comment: This sequence change replaces arginine, which is basic and polar, with glutamine, which is neutral and polar, at codon 271 of the FBXO38 protein (p.Arg271Gln). This variant is present in population databases (no rsID available, gnomAD 0.004%). This variant has not been reported in the literature in individuals affected with FBXO38-related conditions. ClinVar contains an entry for this variant (Variation ID: 1001987). Advanced modeling of protein sequence and biophysical properties (such as structural, functional, and spatial information, amino acid conservation, physicochemical variation, residue mobility, and thermodynamic stability) has been performed at Invitae for this missense variant, however the output from this modeling did not meet the statistical confidence thresholds required to predict the impact of this variant on FBXO38 protein function. In summary, the available evidence is currently insufficient to determine the role of this variant in disease. Therefore, it has been classified as a Variant of Uncertain Significance.

Mayo Clinic Laboratories, Mayo Clinic
Classification: Uncertain significance. Last evaluated: 2023-10-12. Review status: criteria provided, single submitter. Criteria: ACMG Guidelines, 2015. Collection method: clinical testing. Allele origin: germline. Observed: 1 variant allele.